The following is an entry in ClinVar:

ClinVar aggregate classification (germline): Conflicting classifications of pathogenicity. Review status: criteria provided, conflicting classifications (1 of 4 stars). 3 submissions from 3 submitters: Uncertain significance (2); Likely benign (1). Last evaluated 2026-01-05.

Conditions:
Intellectual developmental disorder, X-linked, syndromic 34. Also called: MENTAL RETARDATION, X-LINKED, SYNDROMIC, MIRCSOF-LANGOUET TYPE; Syndromic X-linked intellectual disability 34. Identifiers: Orphanet 466791, MedGen C4225417, MONDO:0010501, OMIM 300967.

Submissions (3):

Labcorp Genetics (formerly Invitae), Labcorp
Classification: Likely benign. Last evaluated: 2026-01-05. Review status: criteria provided, single submitter. Criteria: Invitae Variant Classification Sherloc (09022015). Collection method: clinical testing. Allele origin: germline.

Pittsburgh Clinical Genomics Laboratory, University of Pittsburgh Medical Center
Classification: Uncertain significance for Intellectual developmental disorder, X-linked, syndromic 34. Last evaluated: 2023-02-08. Review status: criteria provided, single submitter. Criteria: ACMG Guidelines, 2015. Collection method: clinical testing. Allele origin: germline. Inheritance: X-linked inheritance. Affected: yes.
Comment: This sequence variant is a 3-nucleotide duplication (dupGCT) at coding nucleotides 1315-1317 of the NONO gene that results in the duplication of the alanine amino acid at residue 439 of the NONO protein. This is a previously reported variant (ClinVar) that has not been observed in the literature in individuals with NONO-related disease, to our knowledge. This variant is in the gnomAD population database (3 of 183254 alleles) including two hemizygous individuals. Bioinformatic tools are not useful for predicting an effect for this type of variant; however, the Ala439 residue is moderately conserved across the mammalian species examined. Functiol studies testing the effect of this variant have not been performed, to our knowledge. At this time, there is insufficient evidence to determine if this variant is pathogenic or benign. Therefore, we consider this to be a variant of uncertain significance. ACMG Criteria: PM4

GeneDx
Classification: Uncertain significance. Last evaluated: 2017-06-26. Review status: criteria provided, single submitter. Criteria: GeneDx Variant Classification (06012015). Collection method: clinical testing. Allele origin: germline. Affected: yes.
Comment: The c.1315_1317dupGCT variant in the NONO gene has not been reported previously as a pathogenic variant, nor as a benign variant, to our knowledge. The c.1315_1317dupGCT variant causes an in-frame duplication of an Alanine residue at codon 439, denoted p.Ala439dup. The c.1315_1317dupGCT variant is not observed in large population cohorts (Lek et al., 2016; 1000 Genomes Consortium et al., 2015; Exome Variant Server). This duplication occurs at a position that is not conserved. We interpret c.1315_1317dupGCT as a variant of uncertain significance

NM_007363.5(NONO):c.1312GCT[3] (p.Ala439dup)

Gene: NONO (non-POU domain containing octamer binding; plus strand). Cytogenetic location: Xq13.1.
Variant type: Microsatellite.
Coding change: c.1312GCT[3] on transcript NM_007363.5 (MANE Select); three copies in a row of the 3-base unit GCT starting at c.1312; the reference has two copies in a row; one copy, 3 bases duplicated; also written c.1315_1317dup.
Protein change: p.Ala439dup; duplicates alanine 439.
Molecular consequence: inframe insertion.
Genome position (GRCh38, 1-based): chrX:71,299,975-71,299,977, GCT duplicated; duplicating any 3 consecutive bases within chrX:71,299,972-71,299,977 gives the same sequence; the position shown is the placement nearest the transcript's 3' end. VCF-style (leftmost placement, unchanged base first): chrX-71299971-G-GGCT. GRCh37 (hg19) VCF-style: chrX-70519821-G-GGCT.
Other names: c.1315_1317dup (NM_007363.5); c.1312GCT[3], p.Ala439dup (NM_001145408.2, NM_001145409.2); c.1045GCT[3], p.Ala350dup (NM_001145410.2).
Identifiers: ClinVar variation 450018 (VCV000450018.4), dbSNP rs751131066, ClinGen allele CA331037122.